The following is an entry in ClinVar:

ClinVar aggregate classification (germline): Conflicting classifications of pathogenicity. Review status: criteria provided, conflicting classifications (1 of 4 stars). 6 submissions from 6 submitters: Uncertain significance (5); Likely benign (1). Last evaluated 2025-11-01.

Conditions:
RYR1-related disorder. Also called: RYR1-related disorders; RYR1-related condition. Identifiers: MedGen CN239331.
Malignant hyperthermia, susceptibility to, 1 (MHS1). Also called: Anesthesia related hyperthermia; Malignant hyperpyrexia; Fulminating hyperpyrexia; Pharmacogenic myopathy; RYR1-Related Malignant Hyperthermia Susceptibility; Malignant hyperthermia suceptibility 1. Identifiers: Orphanet 423, MedGen C2930980, MONDO:0007783, OMIM 145600.

Allele frequency attached by ClinVar (database versions not stated): gnomAD 0.00003; TOPMed 0.00005; gnomAD exomes 0.00007; ExAC 0.00008; ESP Exome Variant Server 0.00015.
gnomAD v4.1: 108 of 1,613,398 alleles (0.0067%); highest among the groups gnomAD compares: South Asian, 0.025%; no homozygotes.

Submissions (6):

Labcorp Genetics (formerly Invitae), Labcorp
Classification: Likely benign for RYR1-related disorder. Last evaluated: 2025-11-01. Review status: criteria provided, single submitter. Criteria: Invitae Variant Classification Sherloc (09022015). Collection method: clinical testing. Allele origin: germline.

Women's Health and Genetics/Laboratory Corporation of America, LabCorp
Classification: Uncertain significance. Last evaluated: 2025-03-10. Review status: criteria provided, single submitter. Criteria: LabCorp Variant Classification Summary - May 2015. Collection method: clinical testing. Allele origin: germline.
Comment: Variant summary: RYR1 c.9895G>A (p.Gly3299Ser) results in a non-conservative amino acid change in the encoded protein sequence. Four of five in-silico tools predict a benign effect of the variant on protein function. The variant allele was found at a frequency of 7.3e-05 in 248194 control chromosomes. This frequency is not significantly higher than estimated for a pathogenic variant in RYR1 causing Congenital multicore myopathy with external ophthalmoplegia (7.3e-05 vs 0.0011), allowing no conclusion about variant significance. To our knowledge, no occurrence of c.9895G>A in individuals affected with Congenital multicore myopathy with external ophthalmoplegia and no experimental evidence demonstrating its impact on protein function have been reported. ClinVar contains an entry for this variant (Variation ID: 430542). Based on the evidence outlined above, the variant was classified as uncertain significance.

Revvity Omics, Revvity
Classification: Uncertain significance. Last evaluated: 2024-05-20. Review status: criteria provided, single submitter. Criteria: ACMG Guidelines, 2015. Collection method: clinical testing. Allele origin: germline.

All of Us Research Program, National Institutes of Health
Classification: Uncertain significance for Malignant hyperthermia, susceptibility to, 1. Last evaluated: 2024-05-14. Review status: criteria provided, single submitter. Criteria: ACMG Guidelines, 2015. Collection method: clinical testing. Allele origin: germline. Inheritance: Autosomal dominant inheritance. Observed: 14 variant alleles, 13 heterozygotes, 1 homozygote.
Comment: This missense variant replaces glycine with serine at codon 3299 of the RYR1 protein. Computational prediction suggests that this variant may not impact protein structure and function (internally defined REVEL score threshold <= 0.5, PMID: 27666373). To our knowledge, functional studies have not been reported for this variant. This variant has not been reported in individuals affected with RYR1-related disorders in the literature. This variant has been identified in 20/279524 chromosomes in the general population by the Genome Aggregation Database (gnomAD). The available evidence is insufficient to determine the role of this variant in disease conclusively. Therefore, this variant is classified as a Variant of Uncertain Significance.

This study involves interpretation of variants in research participants for the purpose of population health screening. Participant phenotype was not available at the time of variant classification. Additional details can be found in publication PMID: 35346344, PMCID: PMC8962531

GeneDx
Classification: Uncertain significance. Last evaluated: 2024-02-26. Review status: criteria provided, single submitter. Criteria: GeneDx Variant Classification Process June 2021. Collection method: clinical testing. Allele origin: germline. Affected: yes.
Comment: In silico analysis supports that this missense variant does not alter protein structure/function; Has not been previously published as pathogenic or benign to our knowledge

Color Diagnostics, LLC DBA Color Health
Classification: Uncertain significance for Malignant hyperthermia, susceptibility to, 1. Last evaluated: 2024-02-03. Review status: criteria provided, single submitter. Criteria: ACMG Guidelines, 2015. Collection method: clinical testing. Allele origin: germline.
Comment: This missense variant replaces glycine with serine at codon 3299 of the RYR1 protein. Computational prediction suggests that this variant may not impact protein structure and function. To our knowledge, functional studies have not been reported for this variant. This variant has not been reported in individuals affected with RYR1-related disorders in the literature. This variant has been identified in 20/279524 chromosomes in the general population by the Genome Aggregation Database (gnomAD). The available evidence is insufficient to determine the role of this variant in disease conclusively. Therefore, this variant is classified as a Variant of Uncertain Significance.

NM_000540.3(RYR1):c.9895G>A (p.Gly3299Ser)

Gene: RYR1 (ryanodine receptor 1; plus strand). Cytogenetic location: 19q13.2.
Variant type: single nucleotide variant.
Coding change: c.9895G>A on transcript NM_000540.3 (MANE Select); coding-DNA position 9895, G replaced by A.
Protein change: p.Gly3299Ser; replaces glycine 3299 with serine.
Molecular consequence: missense variant.
Genome position (GRCh38, 1-based): chr19:38,517,568, G>A. VCF-style: chr19-38517568-G-A. GRCh37 (hg19) VCF-style: chr19-39008208-G-A.
Other names: c.9895G>A, p.Gly3299Ser (NM_001042723.2); short protein forms G3299S.
Identifiers: ClinVar variation 430542 (VCV000430542.28), dbSNP rs372203483, ClinGen allele CA074299.